The following is an entry in ClinVar:

ClinVar aggregate classification (germline): Pathogenic/Likely pathogenic. Review status: criteria provided, multiple submitters, no conflicts (2 of 4 stars). 2 submissions from 2 submitters: Pathogenic (1); Likely pathogenic (1). Last evaluated 2025-11-05.

Conditions:
Hereditary breast ovarian cancer syndrome. Also called: Hereditary breast and ovarian cancer; Hereditary breast and ovarian cancer syndrome; Hereditary breast and/or ovarian cancer syndrome; Hereditary breast and ovarian cancer syndrome (HBOC); Breast and ovarian cancer; BRCA1- and BRCA2-Associated Hereditary Breast and Ovarian Cancer. Identifiers: Orphanet 145, MedGen C0677776, MeSH D061325, MONDO:0003582. Disease mechanism: loss of function.

Submissions (2):

Labcorp Genetics (formerly Invitae), Labcorp
Classification: Pathogenic for Hereditary breast ovarian cancer syndrome. Last evaluated: 2025-11-05. Review status: criteria provided, single submitter. Criteria: Invitae Variant Classification Sherloc (09022015). Collection method: clinical testing. Allele origin: germline.
Comment: This sequence change creates a premature translational stop signal (p.Lys2232*) in the BRCA2 gene. It is expected to result in an absent or disrupted protein product. Loss-of-function variants in BRCA2 are known to be pathogenic (PMID: 20104584). This variant is not present in population databases (gnomAD no frequency). This variant has not been reported in the literature in individuals affected with BRCA2-related conditions. For these reasons, this variant has been classified as Pathogenic.

Quest Diagnostics Nichols Institute San Juan Capistrano
Classification: Likely pathogenic. Last evaluated: 2025-07-02. Review status: criteria provided, single submitter. Criteria: Quest Diagnostics criteria. Collection method: clinical testing. Allele origin: unknown.
Comment: The BRCA2 c.6693dup (p.Lys2232*) variant is predicted to cause the premature termination of BRCA2 protein synthesis. This variant has not been reported in individuals with BRCA2-related conditions in the published literature. This variant has not been reported in large, multi-ethnic general populations (Genome Aggregation Database). Based on the available information, this variant is classified as likely pathogenic.

Literature cited by the submitters: PubMed 20104584 (cited by Labcorp Genetics (formerly Invitae), Labcorp).

NM_000059.4(BRCA2):c.6693dup (p.Lys2232Ter)

Gene: BRCA2 (BRCA2 DNA repair associated; plus strand). Cytogenetic location: 13q13.1.
Variant type: Duplication.
Coding change: c.6693dup on transcript NM_000059.4 (MANE Select); coding-DNA position 6693, one base duplicated (T; older notation c.6693dupT).
Protein change: p.Lys2232Ter; replaces lysine 2232 with a stop codon.
Molecular consequence: nonsense. On other transcripts: non-coding transcript variant (1), intron variant (2).
Genome position (GRCh38, 1-based): chr13:32,341,048, T duplicated. VCF-style (leftmost placement, unchanged base first): chr13-32341047-C-CT. GRCh37 (hg19) VCF-style: chr13-32915184-C-CT.
Other names: c.6693dup, p.Lys2232Ter (NM_001406719.1, NM_001406720.1, NM_001432077.1); c.1910-3510dup (NM_001406721.1); c.425-3510dup (NM_001406722.1); short protein forms K2232*.
Identifiers: ClinVar variation 4532833 (VCV004532833.2).
Genomic context (GRCh38, chr13:32,341,047, plus strand): 5'-TTTGTTCTACTTACTCCAAAGATTCAGAAAACTACTTTGAAACAGAAGCAGTAGAAATTG[C>CT]TAAAGCTTTTATGGAAGATGATGAACTGACAGATTCTAAACTGCCAAGTCATGCCACACA-3'